The following is an entry in ClinVar:

NM_000245.4(MET):c.693C>A (p.Asp231Glu)

Gene: MET (MET proto-oncogene, receptor tyrosine kinase; plus strand). Cytogenetic location: 7q31.2.
Variant type: single nucleotide variant.
Coding change: c.693C>A on transcript NM_000245.4 (MANE Select); coding-DNA position 693, C replaced by A.
Protein change: p.Asp231Glu; replaces aspartic acid 231 with glutamic acid.
Molecular consequence: missense variant. On other transcripts: intron variant (1).
Genome position (GRCh38, 1-based): chr7:116,699,777, C>A. VCF-style: chr7-116699777-C-A. GRCh37 (hg19) VCF-style: chr7-116339831-C-A.
Other names: c.693C>A, p.Asp231Glu (NM_001127500.3, NM_001324401.3); c.-91+27200C>A (NM_001324402.2); short protein forms D231E.
Identifiers: ClinVar variation 2811634 (VCV002811634.5), dbSNP rs786203471, ClinGen allele CA368969638.

ClinVar aggregate classification (germline): Uncertain significance. Review status: criteria provided, multiple submitters, no conflicts (2 of 4 stars). 2 submissions from 2 submitters: Uncertain significance (2). Last evaluated 2025-09-29.

Conditions:
Renal cell carcinoma. Identifiers: Orphanet 217071, MedGen C0007134, MeSH D002292, MONDO:0005086, HP:0005584.

Allele frequency attached by ClinVar (database versions not stated): gnomAD exomes below 0.00001.

Submissions (2):

Dasa
Classification: Uncertain significance. Last evaluated: 2025-09-29. Review status: criteria provided, single submitter. Criteria: DASA Assertion Criteria. Collection method: clinical testing. Allele origin: germline.
Comment: NM_000245.4(MET):c.693C>A (p.Asp231Glu) is a missense variant that results in the substitution of aspartic acid with glutamic acid. This variant is rare in population databases. Computational prediction algorithms are consistent with a benign effect. The currently available literature and clinical evidence are not sufficient to establish a definitive association between this variant and the reported condition. Therefore, this variant is classified as a variant of uncertain significance.

Labcorp Genetics (formerly Invitae), Labcorp
Classification: Uncertain significance for Renal cell carcinoma. Last evaluated: 2022-11-02. Review status: criteria provided, single submitter. Criteria: Invitae Variant Classification Sherloc (09022015). Collection method: clinical testing. Allele origin: germline.
Comment: In summary, the available evidence is currently insufficient to determine the role of this variant in disease. Therefore, it has been classified as a Variant of Uncertain Significance. Algorithms developed to predict the effect of missense changes on protein structure and function are either unavailable or do not agree on the potential impact of this missense change (SIFT: "Deleterious"; PolyPhen-2: "Benign"; Align-GVGD: "Class C0"). This variant has not been reported in the literature in individuals affected with MET-related conditions. This variant is not present in population databases (gnomAD no frequency). This sequence change replaces aspartic acid, which is acidic and polar, with glutamic acid, which is acidic and polar, at codon 231 of the MET protein (p.Asp231Glu).